The following is an entry in ClinVar:

ClinVar aggregate classification (germline): Likely benign. Review status: criteria provided, single submitter (1 of 4 stars). 2 submissions from 2 submitters: Likely benign (1). 1 of the submissions does not count toward it. Last evaluated 2024-07-15.

Conditions:
ZFHX3-related disorder. Also called: ZFHX3-related condition.

Allele frequency attached by ClinVar (database versions not stated): gnomAD 0.00002; TOPMed 0.00002; ExAC 0.00003.
gnomAD v4.1: 106 of 1,614,020 alleles (0.0066%); highest among the groups gnomAD compares: Middle Eastern, 0.77%; 4 homozygotes.

Submissions (2):

Blueprint Genetics
Classification: Likely benign. Last evaluated: 2024-07-15. Review status: criteria provided, single submitter. Criteria: ACMG Guidelines, 2015. Collection method: clinical testing. Allele origin: germline.

PreventionGenetics, part of Exact Sciences
Classification: Likely benign for ZFHX3-related condition. Last evaluated: 2019-05-24. Review status: no assertion criteria provided. Collection method: clinical testing. Allele origin: germline. Not counted in ClinVar's aggregate classification.
Comment: This variant is classified as likely benign based on ACMG/AMP sequence variant interpretation guidelines (Richards et al. 2015 PMID: 25741868, with internal and published modifications).

NM_006885.4(ZFHX3):c.4176G>A (p.Pro1392=)

Genes: ZFHX3 (zinc finger homeobox 3; minus strand), ZFHX3-AS1 (ZFHX3 antisense RNA 1; plus strand). Cytogenetic location: 16q22.2.
Variant type: single nucleotide variant.
Coding change: c.4176G>A on transcript NM_006885.4 (MANE Select); coding-DNA position 4176, G replaced by A.
Protein change: p.Pro1392=; no amino-acid change (proline 1392 retained).
Molecular consequence: synonymous variant.
Genome position (GRCh38, 1-based): chr16:72,798,506, C>T on the plus strand (G>A on the coding strand, the complement: ZFHX3 is on the minus strand). VCF-style: chr16-72798506-C-T. GRCh37 (hg19) VCF-style: chr16-72832405-C-T.
Other names: c.1434G>A, p.Pro478= (NM_001164766.2); c.4176G>A, p.Pro1392= (NM_001386735.1).
Identifiers: ClinVar variation 3043824 (VCV003043824.3), dbSNP rs200609704, ClinGen allele CA8163846.